The following is an entry in ClinVar:

ClinVar aggregate classification (germline): Pathogenic/Likely pathogenic. Review status: criteria provided, multiple submitters, no conflicts (2 of 4 stars). 2 submissions from 2 submitters: Pathogenic (1); Likely pathogenic (1). Last evaluated 2025-01-20.

Conditions:
Pontocerebellar hypoplasia type 1B. Also called: EXOSC3 Pontocerebellar Hypoplasia. Identifiers: Orphanet 2254, MedGen C3553449, MONDO:0013853, OMIM 614678.

Submissions (2):

Labcorp Genetics (formerly Invitae), Labcorp
Classification: Pathogenic for Pontocerebellar hypoplasia type 1B. Last evaluated: 2025-01-20. Review status: criteria provided, single submitter. Criteria: Invitae Variant Classification Sherloc (09022015). Collection method: clinical testing. Allele origin: germline.
Comment: This sequence change creates a premature translational stop signal (p.Tyr225Serfs*15) in the EXOSC3 gene. While this is not anticipated to result in nonsense mediated decay, it is expected to disrupt the last 51 amino acid(s) of the EXOSC3 protein. This variant is present in population databases (rs758812524, gnomAD 0.07%). This variant has not been reported in the literature in individuals affected with EXOSC3-related conditions. This variant disrupts a region of the EXOSC3 protein in which other variant(s) (p.Trp238Arg) have been determined to be pathogenic (PMID: 22544365). This suggests that this is a clinically significant region of the protein, and that variants that disrupt it are likely to be disease-causing. For these reasons, this variant has been classified as Pathogenic.

Fulgent Genetics
Classification: Likely pathogenic for Pontocerebellar hypoplasia type 1B. Last evaluated: 2023-12-24. Review status: criteria provided, single submitter. Criteria: ACMG Guidelines, 2015. Collection method: clinical testing. Allele origin: germline.

Literature cited by the submitters: PubMed 22544365 (cited by Labcorp Genetics (formerly Invitae), Labcorp).

NM_016042.4(EXOSC3):c.672_673del (p.Tyr225fs)

Gene: EXOSC3 (exosome component 3; minus strand). Cytogenetic location: 9p13.2.
Variant type: Microsatellite.
Coding change: c.672_673del on transcript NM_016042.4 (MANE Select); coding-DNA positions 672 to 673, 2 bases deleted (CT; older notation c.672_673delCT).
Protein change: p.Tyr225fs; shifts the reading frame from tyrosine 225.
Molecular consequence: frameshift variant. On other transcripts: 3 prime UTR variant (1).
Genome position (GRCh38, 1-based): chr9:37,780,834-37,780,835, AG deleted on the plus strand (CT on the coding strand, the reverse complement: EXOSC3 is on the minus strand); deleting any 2 consecutive bases within chr9:37,780,834-37,780,837 gives the same sequence; the c. name uses the placement nearest the transcript's 3' end. VCF-style (leftmost placement, unchanged base first): chr9-37780833-TAG-T. GRCh37 (hg19) VCF-style: chr9-37780830-TAG-T.
Other names: c.*23CT[1] (NM_001002269.2); short protein forms Y225fs.
Identifiers: ClinVar variation 3597346 (VCV003597346.3).